The following is an entry in ClinVar:

NM_144599.5(NIPA1):c.841C>T (p.Arg281Trp)

Gene: NIPA1 (NIPA magnesium transporter 1; plus strand). Cytogenetic location: 15q11.2.
Variant type: single nucleotide variant.
Coding change: c.841C>T on transcript NM_144599.5 (MANE Select); coding-DNA position 841, C replaced by T.
Protein change: p.Arg281Trp; replaces arginine 281 with tryptophan.
Molecular consequence: missense variant.
Genome position (GRCh38, 1-based): chr15:22,824,090, C>T. VCF-style: chr15-22824090-C-T. GRCh37 (hg19) VCF-style: chr15-23048978-G-A.
Other names: c.616C>T, p.Arg206Trp (NM_001142275.1); c.841C>T (NM_144599.4); short protein forms R206W, R281W.
Identifiers: ClinVar variation 1517266 (VCV001517266.7), dbSNP rs1011104387, ClinGen allele CA267606605.

ClinVar aggregate classification (germline): Uncertain significance. Review status: criteria provided, multiple submitters, no conflicts (2 of 4 stars). 2 submissions from 2 submitters: Uncertain significance (2). Last evaluated 2025-08-03.

Conditions:
Hereditary spastic paraplegia 6 (SPG6). Also called: SPASTIC PARAPLEGIA 6, AUTOSOMAL DOMINANT. Identifiers: Orphanet 100988, MedGen C1838192, MONDO:0010878, OMIM 600363.
Inborn genetic diseases. Identifiers: MedGen C0950123, MeSH D030342.

Allele frequency attached by ClinVar (database versions not stated): gnomAD exomes below 0.00001 and 0.00001; gnomAD 0.00001; TOPMed 0.00003.
gnomAD v4.1: 11 of 1,613,950 alleles (0.00068%); highest among the groups gnomAD compares: Non-Finnish European, 0.00093%; no homozygotes.

Submissions (2):

Ambry Genetics
Classification: Uncertain significance for Inborn genetic diseases. Last evaluated: 2025-08-03. Review status: criteria provided, single submitter. Criteria: Ambry Variant Classification Scheme 2023. Collection method: clinical testing. Allele origin: germline.

Labcorp Genetics (formerly Invitae), Labcorp
Classification: Uncertain significance for Hereditary spastic paraplegia 6. Last evaluated: 2022-05-28. Review status: criteria provided, single submitter. Criteria: Invitae Variant Classification Sherloc (09022015). Collection method: clinical testing. Allele origin: germline.
Comment: ClinVar contains an entry for this variant (Variation ID: 1517266). Algorithms developed to predict the effect of missense changes on protein structure and function are either unavailable or do not agree on the potential impact of this missense change (SIFT: "Deleterious"; PolyPhen-2: "Probably Damaging"; Align-GVGD: "Class C0"). In summary, the available evidence is currently insufficient to determine the role of this variant in disease. Therefore, it has been classified as a Variant of Uncertain Significance. This missense change has been observed in at least one individual who was not affected with NIPA1-related conditions (Invitae). This sequence change replaces arginine, which is basic and polar, with tryptophan, which is neutral and slightly polar, at codon 281 of the NIPA1 protein (p.Arg281Trp). This variant is present in population databases (no rsID available, gnomAD 0.0009%). This variant has not been reported in the literature in individuals affected with NIPA1-related conditions.